The following is an entry in ClinVar:

NM_001393982.1(ANKRD36C):c.97C>T (p.Leu33=)

Gene: ANKRD36C (ankyrin repeat domain 36C; minus strand). Cytogenetic location: 2q11.1.
Variant type: single nucleotide variant.
Coding change: c.97C>T on transcript NM_001393982.1 (MANE Select); coding-DNA position 97, C replaced by T.
Protein change: p.Leu33=; no amino-acid change (leucine 33 retained).
Molecular consequence: synonymous variant.
Genome position (GRCh38, 1-based): chr2:95,991,612, G>A on the plus strand (C>T on the coding strand, the complement: ANKRD36C is on the minus strand). VCF-style: chr2-95991612-G-A. GRCh37 (hg19) VCF-style: chr2-96657360-G-A.
Other names: c.97C>T, p.Leu33= (NM_001310154.3).
Identifiers: ClinVar variation 2651135 (VCV002651135.24), dbSNP rs115480888, ClinGen allele CA1775097.
Genomic context (GRCh38, chr2:95,991,612, plus strand): 5'-GCAGAACGAACTTCAGTTCCTCCAGATCACGATAGAAGACAGCTCTGTGGATCCCCTTCA[G>A]ATGATACGGTTTAATGGGGTATTGGGGAAATAAGAAGCCATCCGAGCACAAGCGGTCCCT-3'
Protein context (NP_001380911.1, residues 23-43): FPQYPIKPYH[Leu33=]KGIHRAVFYR

ClinVar aggregate classification (germline): Likely benign (1 of 4 stars; one submission).

Allele frequency attached by ClinVar (database versions not stated): 1000 Genomes Project 30x 0.00172; 1000 Genomes Project 0.00180; TOPMed 0.00424; gnomAD 0.00441; ExAC 0.00457; gnomAD exomes 0.00655.
gnomAD v4.1: 10,132 of 1,614,064 alleles (0.63%); highest among the groups gnomAD compares: Non-Finnish European, 0.79%; 42 homozygotes.

Submission:

CeGaT Center for Human Genetics Tuebingen
Classification: Likely benign. Last evaluated: 2026-06-01. Review status: criteria provided, single submitter. Criteria: CeGaT Center For Human Genetics Tuebingen Variant Classification Criteria Version 2. Collection method: clinical testing. Allele origin: germline. Affected: yes. Observed: 5 variant alleles.
Comment: ANKRD36C: BP4, BP7, BS2